The following is an entry in ClinVar:

ClinVar aggregate classification (germline): Likely pathogenic (1 of 4 stars; one submission).

Conditions:
Cataract 18 (CATC2). Also called: CATARACT 18, AUTOSOMAL RECESSIVE. Identifiers: Orphanet 91492, Orphanet 98991, Orphanet 98992, Orphanet 98995, MedGen C1864908, MONDO:0012395, OMIM 610019.

Submission:

Laboratory of Molecular Genetics, Yakut Science Centre of Complex Medical Problems
Classification: Likely pathogenic for Cataract 18. Last evaluated: 2018-12-02. Review status: criteria provided, single submitter. Criteria: Barashkov et al. (Eur J Hum Genet. 2021). Collection method: research, reference population. Allele origin: inherited, unknown. Inheritance: Autosomal recessive inheritance. Affected: yes and no. Observed: 40 variant alleles, 12 heterozygotes, 28 homozygotes.
Comment: Congenital cataract is a major cause of vision loss in children worldwide, as it leads to lens opacity that consequently could lead to different impairment of vision including vision loss Identification c.1621C>T (p.Gln541*) in gene FYCO1 We examined 57 visually impaired and blind students of special boarding schools in Yakutsk. 32 children were selected from 29 families (three affected siblings in two families) with congenital cataract (Table 1). The results of WES showed a novel homozygous variant c.1621C>T (p.Gln541*) in exon 8 FYCO1 gene (FYVE and coiled-coil domain containing 1) (chr3:46009205G>A). The FYCO1 gene is located in chromosome 3 (3p21.31) and consists of 21 exons. The presence of this pathogenic variant in FYCO1 gene was further tested by Sanger sequencing and PCR-RLFP methods in all members from this Yakut family. Screening of the variant c.1621C>T (p.Gln541*) in FYCO1 in 29 families with congenital cataract We conducted the screening of the variant c.1621C>T (p.Gln541*) in other 29 families with congenital cataract from the Sakha Republic of Russia. The variant c.1621C>T (p.Gln541*) was detected in affected individuals in 25 out of 29 families and autosomal recessive cataract (CTRCT18, OMIM 610019) was approved by segregating with phenotypes of non-affected relatives. In one family in affected individual the substitution of c.1621C>T was found in heterozygous state (1/29, 3%), in three families the substitution was not found (3/29, 10%). Thus, in these Yakut families the DNA-testing was not informative, as other changes both in FYCO1 and other genes caused the congenital cataract. Therefore, in 25 out of 29 unrelated families (87,5%) with congenital cataract from the Sakha Republic of Russia were caused by homozygous transition c.1621C>T (p.Gln541*) in FYCO1 gene.

NM_024513.4(FYCO1):c.1621C>T (p.Gln541Ter)

Gene: FYCO1 (FYVE and coiled-coil domain autophagy adaptor 1; minus strand). Cytogenetic location: 3p21.31.
Variant type: single nucleotide variant.
Coding change: c.1621C>T on transcript NM_024513.4 (MANE Select); coding-DNA position 1621, C replaced by T.
Protein change: p.Gln541Ter; replaces glutamine 541 with a stop codon.
Molecular consequence: nonsense.
Genome position (GRCh38, 1-based): chr3:45,967,713, G>A on the plus strand (C>T on the coding strand, the complement: FYCO1 is on the minus strand). VCF-style: chr3-45967713-G-A. GRCh37 (hg19) VCF-style: chr3-46009205-G-A.
Other names: short protein forms Q541*.
Identifiers: ClinVar variation 693984 (VCV000693984.5), dbSNP rs200557771, ClinGen allele CA352461399.